The following is an entry in ClinVar:

ClinVar aggregate classification (germline): Uncertain significance. Review status: criteria provided, multiple submitters, no conflicts (2 of 4 stars). 8 submissions from 5 submitters: Uncertain significance (8). Last evaluated 2024-09-23.

Conditions:
Hypokalemic periodic paralysis, type 1. Also called: Hypokalemic Periodic Paralysis Type 1 (AD); HypoPP. Identifiers: Orphanet 681, MedGen C3714580, MONDO:0042979, OMIM 170400.
Malignant hyperthermia, susceptibility to, 5 (MHS5). Also called: CACNA1S-Related Malignant Hyperthermia Susceptibility. Identifiers: Orphanet 423, MedGen C1866077, MONDO:0011163, OMIM 601887.
Thyrotoxic periodic paralysis, susceptibility to, 1 (TTPP1). Identifiers: Orphanet 79102, MedGen C2749982, MONDO:0008570, OMIM 188580.
Congenital myopathy 18. Also called: DIHYDROPYRIDINE RECEPTOR CONGENITAL MYOPATHY; DHPR CONGENITAL MYOPATHY; Myopathy, congenital, due to dihydropyridine receptor defect. Identifiers: MedGen C5830283, MONDO:0859514, OMIM 620246.

Allele frequency attached by ClinVar (database versions not stated): gnomAD exomes below 0.00001; ExAC 0.00001; gnomAD 0.00001; TOPMed 0.00003.
gnomAD v4.1: 4 of 1,613,792 alleles (0.00025%); highest among the groups gnomAD compares: Non-Finnish European, 0.00034%; no homozygotes.

Submissions (8):

All of Us Research Program, National Institutes of Health
Classification: Uncertain significance for Malignant hyperthermia, susceptibility to, 5. Last evaluated: 2024-09-23. Review status: criteria provided, single submitter. Criteria: ACMG Guidelines, 2015. Collection method: clinical testing. Allele origin: germline. Inheritance: Autosomal dominant inheritance. Observed: 6 variant alleles, 6 heterozygotes.
Comment: This missense variant replaces proline with arginine at codon 1717 of the CACNA1S protein. Computational prediction suggests that this variant may not impact protein structure and function (internally defined REVEL score threshold <= 0.5, PMID: 27666373). To our knowledge, functional studies have not been reported for this variant. This variant has not been reported in individuals affected with CACNA1S-related disorders in the literature. This variant has been identified in 2/282516 chromosomes in the general population by the Genome Aggregation Database (gnomAD). The available evidence is insufficient to determine the role of this variant in disease conclusively. Therefore, this variant is classified as a Variant of Uncertain Significance.

This study involves interpretation of variants in research participants for the purpose of population health screening. Participant phenotype was not available at the time of variant classification. Additional details can be found in publication PMID: 35346344, PMCID: PMC8962531

Labcorp Genetics (formerly Invitae), Labcorp
Classification: Uncertain significance for Hypokalemic periodic paralysis, type 1; Malignant hyperthermia, susceptibility to, 5. Last evaluated: 2024-07-06. Review status: criteria provided, single submitter. Criteria: Invitae Variant Classification Sherloc (09022015). Collection method: clinical testing. Allele origin: germline.
Comment: This sequence change replaces proline, which is neutral and non-polar, with arginine, which is basic and polar, at codon 1717 of the CACNA1S protein (p.Pro1717Arg). This variant is present in population databases (rs758722244, gnomAD 0.002%). This variant has not been reported in the literature in individuals affected with CACNA1S-related conditions. ClinVar contains an entry for this variant (Variation ID: 837079). Advanced modeling of protein sequence and biophysical properties (such as structural, functional, and spatial information, amino acid conservation, physicochemical variation, residue mobility, and thermodynamic stability) performed at Invitae indicates that this missense variant is not expected to disrupt CACNA1S protein function with a negative predictive value of 95%. In summary, the available evidence is currently insufficient to determine the role of this variant in disease. Therefore, it has been classified as a Variant of Uncertain Significance.

GeneDx
Classification: Uncertain significance. Last evaluated: 2024-07-03. Review status: criteria provided, single submitter. Criteria: GeneDx Variant Classification Process June 2021. Collection method: clinical testing. Allele origin: germline. Affected: yes.
Comment: In silico analysis indicates that this missense variant does not alter protein structure/function; Has not been previously published as pathogenic or benign to our knowledge; Not observed at significant frequency in large population cohorts (gnomAD)

Genome-Nilou Lab
Classification: Uncertain significance for Malignant hyperthermia, susceptibility to, 5. Last evaluated: 2023-04-11. Review status: criteria provided, single submitter. Criteria: ACMG Guidelines, 2015. Collection method: clinical testing. Allele origin: germline. Affected: no.

Genome-Nilou Lab
Classification: Uncertain significance for Thyrotoxic periodic paralysis, susceptibility to, 1. Last evaluated: 2023-04-11. Review status: criteria provided, single submitter. Criteria: ACMG Guidelines, 2015. Collection method: clinical testing. Allele origin: germline. Affected: no.

Genome-Nilou Lab
Classification: Uncertain significance for Congenital myopathy 18. Last evaluated: 2023-04-11. Review status: criteria provided, single submitter. Criteria: ACMG Guidelines, 2015. Collection method: clinical testing. Allele origin: germline. Affected: no.

Genome-Nilou Lab
Classification: Uncertain significance for Hypokalemic periodic paralysis, type 1. Last evaluated: 2023-04-11. Review status: criteria provided, single submitter. Criteria: ACMG Guidelines, 2015. Collection method: clinical testing. Allele origin: germline. Affected: no.

Fulgent Genetics
Classification: Uncertain significance for Hypokalemic periodic paralysis, type 1; Thyrotoxic periodic paralysis, susceptibility to, 1; Malignant hyperthermia, susceptibility to, 5. Last evaluated: 2022-05-12. Review status: criteria provided, single submitter. Criteria: ACMG Guidelines, 2015. Collection method: clinical testing. Allele origin: unknown.

NM_000069.3(CACNA1S):c.5150C>G (p.Pro1717Arg)

Gene: CACNA1S (calcium voltage-gated channel subunit alpha1 S; minus strand). Cytogenetic location: 1q32.1.
Variant type: single nucleotide variant.
Coding change: c.5150C>G on transcript NM_000069.3 (MANE Select); coding-DNA position 5150, C replaced by G.
Protein change: p.Pro1717Arg; replaces proline 1717 with arginine.
Molecular consequence: missense variant.
Genome position (GRCh38, 1-based): chr1:201,040,698, G>C on the plus strand (C>G on the coding strand, the complement: CACNA1S is on the minus strand). VCF-style: chr1-201040698-G-C. GRCh37 (hg19) VCF-style: chr1-201009826-G-C.
Other names: short protein forms P1717R.
Identifiers: ClinVar variation 837079 (VCV000837079.13), dbSNP rs758722244, ClinGen allele CA083751.